The following is an entry in ClinVar:

NM_032444.4(SLX4):c.2950G>A (p.Glu984Lys)

Gene: SLX4 (SLX4 structure-specific endonuclease subunit; minus strand). Cytogenetic location: 16p13.3.
Variant type: single nucleotide variant.
Coding change: c.2950G>A on transcript NM_032444.4 (MANE Select); coding-DNA position 2950, G replaced by A.
Protein change: p.Glu984Lys; replaces glutamic acid 984 with lysine.
Molecular consequence: missense variant.
Genome position (GRCh38, 1-based): chr16:3,590,688, C>T on the plus strand (G>A on the coding strand, the complement: SLX4 is on the minus strand). VCF-style: chr16-3590688-C-T. GRCh37 (hg19) VCF-style: chr16-3640689-C-T.
Other names: short protein forms E984K.
Identifiers: ClinVar variation 1039223 (VCV001039223.9), dbSNP rs750906921, ClinGen allele CA7866034.
Genomic context (GRCh38, chr16:3,590,688, plus strand): 5'-GCTCACTTGTTATTTGGGACGGCTCTGAGATCTCTCCCTGAGTTGATGAGAAGAGCTGTT[C>T]GTAATCCCCGGCATCATCTGAGTGCGGAAGAGAGCCTTCTTTTCTCTCTGCCTGGCAGTC-3'
Protein context (NP_115820.2, residues 974-994): LPHSDDAGDY[Glu984Lys]QLFSSTQGEI

ClinVar aggregate classification (germline): Uncertain significance. Review status: criteria provided, multiple submitters, no conflicts (2 of 4 stars). 2 submissions from 2 submitters: Uncertain significance (2). Last evaluated 2021-11-24.

Conditions:
Fanconi anemia complementation group P. Also called: SLX4-Related Fanconi Anemia. Identifiers: Orphanet 84, MedGen C3469542, MONDO:0013499, OMIM 613951.
Fanconi anemia (FA). Also called: Fanconi's anemia. Identifiers: Orphanet 84, MedGen C0015625, MeSH D005199, MONDO:0019391.

Allele frequency attached by ClinVar (database versions not stated): ExAC 0.00001; gnomAD exomes 0.00001 and 0.00002; TOPMed 0.00001.
gnomAD v4.1: 19 of 1,614,066 alleles (0.0012%); highest among the groups gnomAD compares: South Asian, 0.0099%; no homozygotes.

Submissions (2):

Fulgent Genetics
Classification: Uncertain significance for Fanconi anemia complementation group P. Last evaluated: 2021-11-24. Review status: criteria provided, single submitter. Criteria: ACMG Guidelines, 2015. Collection method: clinical testing. Allele origin: unknown.

Labcorp Genetics (formerly Invitae), Labcorp
Classification: Uncertain significance for Fanconi anemia. Last evaluated: 2020-03-30. Review status: criteria provided, single submitter. Criteria: Invitae Variant Classification Sherloc (09022015). Collection method: clinical testing. Allele origin: germline.
Comment: In summary, the available evidence is currently insufficient to determine the role of this variant in disease. Therefore, it has been classified as a Variant of Uncertain Significance. Algorithms developed to predict the effect of missense changes on protein structure and function output the following: SIFT: "Tolerated"; PolyPhen-2: "Benign"; Align-GVGD: "Class C0". The lysine amino acid residue is found in multiple mammalian species, suggesting that this missense change does not adversely affect protein function. These predictions have not been confirmed by published functional studies and their clinical significance is uncertain. This variant has not been reported in the literature in individuals with SLX4-related conditions. This variant is present in population databases (rs750906921, ExAC 0.009%). This sequence change replaces glutamic acid with lysine at codon 984 of the SLX4 protein (p.Glu984Lys). The glutamic acid residue is weakly conserved and there is a small physicochemical difference between glutamic acid and lysine.